The following is an entry in ClinVar:

NM_001293298.2(CEMIP):c.3309A>G (p.Gln1103=)

Gene: CEMIP (cell migration inducing hyaluronidase 1; plus strand). Cytogenetic location: 15q25.1.
Variant type: single nucleotide variant.
Coding change: c.3309A>G on transcript NM_001293298.2 (MANE Select); coding-DNA position 3309, A replaced by G.
Protein change: p.Gln1103=; no amino-acid change (glutamine 1103 retained).
Molecular consequence: synonymous variant.
Genome position (GRCh38, 1-based): chr15:80,937,881, A>G. VCF-style: chr15-80937881-A-G. GRCh37 (hg19) VCF-style: chr15-81230222-A-G.
Other names: c.3309A>G, p.Gln1103= (NM_001293304.2, NM_018689.3).
Identifiers: ClinVar variation 3905957 (VCV003905957.10).
Genomic context (GRCh38, chr15:80,937,881, plus strand): 5'-CTACCCGCGAGGCACCACATTCTCCATCCTCTCGGATGTTCACAATCGCCTGCTGAAGCA[A>G]ACGTCCAAGACGGGCGTCTTCGTGAGGACCTTGCAGATGGACAAAGTGGAGCAGAGCTAC-3'
Protein context (NP_001280227.1, residues 1093-1113): LSDVHNRLLK[Gln1103=]TSKTGVFVRT

ClinVar aggregate classification (germline): Likely benign (1 of 4 stars; one submission).

Submission:

CeGaT Center for Human Genetics Tuebingen
Classification: Likely benign. Last evaluated: 2025-05-01. Review status: criteria provided, single submitter. Criteria: CeGaT Center For Human Genetics Tuebingen Variant Classification Criteria Version 2. Collection method: clinical testing. Allele origin: germline. Affected: yes. Observed: 1 variant allele.
Comment: CEMIP: PM2:Supporting, BP4, BP7